The following is an entry in ClinVar:

ClinVar aggregate classification (germline): Uncertain significance. Review status: criteria provided, single submitter (1 of 4 stars). 2 submissions from 2 submitters: Uncertain significance (1). 1 of the submissions does not count toward it. Last evaluated 2023-06-09.

Conditions:
Microcephaly. Also called: Microcephaly (disease). Identifiers: MedGen C4551563, MONDO:0001149, HP:0000252.

Submissions (2):

Ambry Genetics
Classification: Uncertain significance. Last evaluated: 2023-06-09. Review status: criteria provided, single submitter. Criteria: Ambry Variant Classification Scheme 2023. Collection method: clinical testing. Allele origin: germline.
Comment: The p.A766G variant (also known as c.2297C>G), located in coding exon 21 of the PRKDC gene, results from a C to G substitution at nucleotide position 2297. The alanine at codon 766 is replaced by glycine, an amino acid with similar properties. This amino acid position is conserved. In addition, the in silico prediction for this alteration is inconclusive. Since supporting evidence is limited at this time, the clinical significance of this alteration remains unclear.

Department of Pediatrics, Samsung Medical Center, Samsung Medical Center
Classification: Uncertain significance for Microcephaly. Review status: no assertion criteria provided. Criteria: ACMG Guidelines, 2015. Collection method: research. Allele origin: germline. Affected: yes. Not counted in ClinVar's aggregate classification.

NM_006904.7(PRKDC):c.2297C>G (p.Ala766Gly)

Gene: PRKDC (protein kinase, DNA-activated, catalytic subunit; minus strand). Cytogenetic location: 8q11.21.
Variant type: single nucleotide variant.
Coding change: c.2297C>G on transcript NM_006904.7 (MANE Select); coding-DNA position 2297, C replaced by G.
Protein change: p.Ala766Gly; replaces alanine 766 with glycine.
Molecular consequence: missense variant.
Genome position (GRCh38, 1-based): chr8:47,927,316, G>C on the plus strand (C>G on the coding strand, the complement: PRKDC is on the minus strand). VCF-style: chr8-47927316-G-C. GRCh37 (hg19) VCF-style: chr8-48839876-G-C.
Other names: c.2297C>G, p.Ala766Gly (NM_001081640.2); short protein forms A766G.
Identifiers: ClinVar variation 813635 (VCV000813635.3), dbSNP rs2090171039, ClinGen allele CA371162057.
Genomic context (GRCh38, chr8:47,927,316, plus strand): 5'-TGCATTACATGTCTGTCAATATAAATTGACCATTCTTCTAGAGCATTCAGGCCTACTTCT[G>C]CCAAGGGGGTATAGCTCAGGCCCAGTTTGAAAGCCATCTGTATGTTAATACAAACAAGTT-3'
Protein context (NP_008835.5, residues 756-776): FKLGLSYTPL[Ala766Gly]EVGLNALEEW